The following is an entry in ClinVar:

ClinVar aggregate classification (germline): Pathogenic. Review status: criteria provided, multiple submitters, no conflicts (2 of 4 stars). 2 submissions from 2 submitters: Pathogenic (2). Last evaluated 2026-02-20.

Conditions:
Jeune thoracic dystrophy. Also called: Jeune syndrome; Infantile thoracic dystrophy; Thoracic pelvic phalangeal dystrophy; Jeune's syndrome; Chondroectodermal dysplasia-like syndrome; Short-rib thoracic dysplasia. Identifiers: Orphanet 474, MedGen C0265275, MONDO:0018770.
Asphyxiating thoracic dystrophy 3. Also called: Saldino-Noonan Syndrome; SHORT-RIB THORACIC DYSPLASIA 3 WITH OR WITHOUT POLYDACTYLY; POLYDACTYLY WITH NEONATAL CHONDRODYSTROPHY, TYPE I; SHORT-RIB THORACIC DYSPLASIA 3/6 WITH POLYDACTYLY, DIGENIC; Short rib polydactyly syndrome 2B. Identifiers: Orphanet 474, Orphanet 93269, Orphanet 93270, Orphanet 93271, MedGen C0036069, MONDO:0013127, OMIM 613091.

Submissions (2):

Myriad Genetics, Inc.
Classification: Pathogenic for Asphyxiating thoracic dystrophy 3. Last evaluated: 2026-02-20. Review status: criteria provided, single submitter. Criteria: Myriad Autosomal Dominant, Autosomal Recessive and X-Linked Classification Criteria (2023). Collection method: clinical testing. Allele origin: unknown.
Comment: NM_001377.2(DYNC2H1):c.4256dupT(L1419Ffs*16) is expected to be pathogenic in the context of DYNC2H1-related disorders. This variant is predicted to lead to an abnormal or absent protein product due to the creation of a premature termination codon in DYNC2H1, a gene where loss-of-function variants are known to be pathogenic. Please note: this variant was assessed in the context of healthy population screening.

Labcorp Genetics (formerly Invitae), Labcorp
Classification: Pathogenic for Jeune thoracic dystrophy. Last evaluated: 2023-09-06. Review status: criteria provided, single submitter. Criteria: Invitae Variant Classification Sherloc (09022015). Collection method: clinical testing. Allele origin: germline.
Comment: This sequence change creates a premature translational stop signal (p.Leu1419Phefs*16) in the DYNC2H1 gene. It is expected to result in an absent or disrupted protein product. Loss-of-function variants in DYNC2H1 are known to be pathogenic (PMID: 23339108, 32753734, 33755199). This variant is not present in population databases (gnomAD no frequency). This variant has not been reported in the literature in individuals affected with DYNC2H1-related conditions. For these reasons, this variant has been classified as Pathogenic.

Literature cited by the submitters: PubMed 23339108 (cited by Labcorp Genetics (formerly Invitae), Labcorp); PubMed 32753734 (cited by Labcorp Genetics (formerly Invitae), Labcorp); PubMed 33755199 (cited by Labcorp Genetics (formerly Invitae), Labcorp).

NM_001377.3(DYNC2H1):c.4256dup (p.Leu1419fs)

Gene: DYNC2H1 (dynein cytoplasmic 2 heavy chain 1; plus strand). Cytogenetic location: 11q22.3.
Variant type: Duplication.
Coding change: c.4256dup on transcript NM_001377.3 (MANE Select); coding-DNA position 4256, one base duplicated (T; older notation c.4256dupT).
Protein change: p.Leu1419fs; shifts the reading frame from leucine 1419.
Molecular consequence: frameshift variant.
Genome position (GRCh38, 1-based): chr11:103,158,805, T duplicated; the last of 5 consecutive T bases (chr11:103,158,801-103,158,805); duplicating any one gives the same sequence. VCF-style (leftmost placement, unchanged base first): chr11-103158800-A-AT. GRCh37 (hg19) VCF-style: chr11-103029529-A-AT.
Other names: c.4256dup, p.Leu1419fs (NM_001080463.2); short protein forms L1419fs.
Identifiers: ClinVar variation 2731811 (VCV002731811.4), dbSNP rs2497074414, ClinGen allele CA2574962712.